The following is an entry in ClinVar:

NM_033305.3(VPS13A):c.1211C>T (p.Thr404Met)

Gene: VPS13A (vacuolar protein sorting 13 homolog A; plus strand). Cytogenetic location: 9q21.2.
Variant type: single nucleotide variant.
Coding change: c.1211C>T on transcript NM_033305.3 (MANE Select); coding-DNA position 1211, C replaced by T.
Protein change: p.Thr404Met; replaces threonine 404 with methionine.
Molecular consequence: missense variant.
Genome position (GRCh38, 1-based): chr9:77,225,975, C>T. VCF-style: chr9-77225975-C-T. GRCh37 (hg19) VCF-style: chr9-79840891-C-T.
Other names: c.1211C>T, p.Thr404Met (NM_001018037.2, NM_001018038.3, NM_015186.4); c.1211C>T (NM_033305.2); short protein forms T404M.
Identifiers: ClinVar variation 2039394 (VCV002039394.7), dbSNP rs148511166, ClinGen allele CA5091613.

ClinVar aggregate classification (germline): Uncertain significance. Review status: criteria provided, multiple submitters, no conflicts (2 of 4 stars). 4 submissions from 4 submitters: Uncertain significance (4). Last evaluated 2026-08-04.

Conditions:
Inborn genetic diseases. Identifiers: MedGen C0950123, MeSH D030342.

Allele frequency attached by ClinVar (database versions not stated): gnomAD exomes 0.00002; TOPMed 0.00002; ExAC 0.00003; gnomAD 0.00003; ESP Exome Variant Server 0.00008.
gnomAD v4.1: 29 of 1,611,882 alleles (0.0018%); highest among the groups gnomAD compares: African/African-American, 0.004%; no homozygotes.

Submissions (4):

GeneDx
Classification: Uncertain significance. Last evaluated: 2026-08-04. Review status: criteria provided, single submitter. Criteria: GeneDx Variant Classification Process June 2021. Collection method: clinical testing. Allele origin: germline.
Comment: Not observed at significant frequency in large population cohorts (gnomAD); In silico analysis suggests that this missense variant does not alter protein structure/function; Has not been previously published as pathogenic or benign to our knowledge

Ambry Genetics
Classification: Uncertain significance for Inborn genetic diseases. Last evaluated: 2025-05-25. Review status: criteria provided, single submitter. Criteria: Ambry Variant Classification Scheme 2023. Collection method: clinical testing. Allele origin: germline.

Blueprint Genetics
Classification: Uncertain significance. Last evaluated: 2024-10-04. Review status: criteria provided, single submitter. Criteria: ACMG Guidelines, 2015. Collection method: clinical testing. Allele origin: germline.

Labcorp Genetics (formerly Invitae), Labcorp
Classification: Uncertain significance. Last evaluated: 2024-07-24. Review status: criteria provided, single submitter. Criteria: Invitae Variant Classification Sherloc (09022015). Collection method: clinical testing. Allele origin: germline.
Comment: This sequence change replaces threonine, which is neutral and polar, with methionine, which is neutral and non-polar, at codon 404 of the VPS13A protein (p.Thr404Met). This variant is present in population databases (rs148511166, gnomAD 0.005%). This variant has not been reported in the literature in individuals affected with VPS13A-related conditions. ClinVar contains an entry for this variant (Variation ID: 2039394). Advanced modeling of protein sequence and biophysical properties (such as structural, functional, and spatial information, amino acid conservation, physicochemical variation, residue mobility, and thermodynamic stability) performed at Invitae indicates that this missense variant is expected to disrupt VPS13A protein function with a positive predictive value of 80%. In summary, the available evidence is currently insufficient to determine the role of this variant in disease. Therefore, it has been classified as a Variant of Uncertain Significance.